The following is an entry in ClinVar:

NM_033004.4(NLRP1):c.3619C>G (p.Leu1207Val)

Gene: NLRP1 (NLR family pyrin domain containing 1; minus strand). Cytogenetic location: 17p13.2.
Variant type: single nucleotide variant.
Coding change: c.3619C>G on transcript NM_033004.4 (MANE Select); coding-DNA position 3619, C replaced by G.
Protein change: p.Leu1207Val; replaces leucine 1207 with valine.
Molecular consequence: missense variant.
Genome position (GRCh38, 1-based): chr17:5,521,688, G>C on the plus strand (C>G on the coding strand, the complement: NLRP1 is on the minus strand). VCF-style: chr17-5521688-G-C. GRCh37 (hg19) VCF-style: chr17-5425008-G-C.
Other names: c.3631C>G, p.Leu1211Val (NM_001033053.3); c.3619C>G, p.Leu1207Val (NM_014922.5); c.3529C>G, p.Leu1177Val (NM_033006.4, NM_033007.4); short protein forms L1207V, L1177V, L1211V.
Identifiers: ClinVar variation 3000687 (VCV003000687.3), dbSNP rs866602691, ClinGen allele CA397389292.

ClinVar aggregate classification (germline): Uncertain significance (1 of 4 stars; one submission).

Allele frequency attached by ClinVar (database versions not stated): gnomAD exomes below 0.00001; TOPMed below 0.00001; gnomAD 0.00001.
gnomAD v4.1: 2 of 1,613,668 alleles (0.00012%); highest among the groups gnomAD compares: East Asian, 0.0045%; no homozygotes.

Submission:

Labcorp Genetics (formerly Invitae), Labcorp
Classification: Uncertain significance. Last evaluated: 2024-01-29. Review status: criteria provided, single submitter. Criteria: Invitae Variant Classification Sherloc (09022015). Collection method: clinical testing. Allele origin: germline.
Comment: This sequence change replaces leucine, which is neutral and non-polar, with valine, which is neutral and non-polar, at codon 1207 of the NLRP1 protein (p.Leu1207Val). This variant is not present in population databases (gnomAD no frequency). This variant has not been reported in the literature in individuals affected with NLRP1-related conditions. An algorithm developed to predict the effect of missense changes on protein structure and function (PolyPhen-2) suggests that this variant is likely to be disruptive. In summary, the available evidence is currently insufficient to determine the role of this variant in disease. Therefore, it has been classified as a Variant of Uncertain Significance.